The following is an entry in ClinVar:

ClinVar aggregate classification (germline): Uncertain significance. Review status: criteria provided, multiple submitters, no conflicts (2 of 4 stars). 4 submissions from 4 submitters: Uncertain significance (4). Last evaluated 2026-01-31.

Conditions:
Hereditary nonpolyposis colorectal neoplasms. Identifiers: MedGen C0009405, MeSH D003123.
Hereditary cancer-predisposing syndrome. Also called: Hereditary neoplastic syndrome; Hereditary Cancer Syndrome; Tumor predisposition; Neoplastic Syndromes, Hereditary. Identifiers: Orphanet 140162, MedGen C0027672, MeSH D009386, MONDO:0015356.

Submissions (4):

Labcorp Genetics (formerly Invitae), Labcorp
Classification: Uncertain significance for Hereditary nonpolyposis colorectal neoplasms. Last evaluated: 2026-01-31. Review status: criteria provided, single submitter. Criteria: Invitae Variant Classification Sherloc (09022015). Collection method: clinical testing. Allele origin: germline.
Comment: This sequence change replaces methionine, which is neutral and non-polar, with threonine, which is neutral and polar, at codon 176 of the MSH6 protein (p.Met176Thr). This variant is not present in population databases (gnomAD no frequency). This variant has not been reported in the literature in individuals affected with MSH6-related conditions. ClinVar contains an entry for this variant (Variation ID: 439216). Invitae Evidence Modeling of protein sequence and biophysical properties (such as structural, functional, and spatial information, amino acid conservation, physicochemical variation, residue mobility, and thermodynamic stability) indicates that this missense variant is not expected to disrupt MSH6 protein function with a negative predictive value of 95%. In summary, the available evidence is currently insufficient to determine the role of this variant in disease. Therefore, it has been classified as a Variant of Uncertain Significance.

GeneDx
Classification: Uncertain significance. Last evaluated: 2022-12-03. Review status: criteria provided, single submitter. Criteria: GeneDx Variant Classification Process June 2021. Collection method: clinical testing. Allele origin: germline. Affected: yes.
Comment: Not observed at significant frequency in large population cohorts (gnomAD); In silico analysis supports that this missense variant does not alter protein structure/function; Has not been previously published as pathogenic or benign to our knowledge

Ambry Genetics
Classification: Uncertain significance for Hereditary cancer-predisposing syndrome. Last evaluated: 2022-11-16. Review status: criteria provided, single submitter. Criteria: Ambry Variant Classification Scheme 2023. Collection method: clinical testing. Allele origin: germline.
Comment: The p.M176T variant (also known as c.527T>C), located in coding exon 3 of the MSH6 gene, results from a T to C substitution at nucleotide position 527. The methionine at codon 176 is replaced by threonine, an amino acid with similar properties. This amino acid position is highly conserved in available vertebrate species. In addition, the in silico prediction for this alteration is inconclusive. Since supporting evidence is limited at this time, the clinical significance of this alteration remains unclear.

Quest Diagnostics Nichols Institute San Juan Capistrano
Classification: Uncertain significance. Last evaluated: 2017-03-08. Review status: criteria provided, single submitter. Criteria: Quest Diagnostics criteria. Collection method: clinical testing. Allele origin: germline.

NM_000179.3(MSH6):c.527T>C (p.Met176Thr)

Gene: MSH6 (mutS homolog 6; plus strand). Cytogenetic location: 2p16.3.
Variant type: single nucleotide variant.
Coding change: c.527T>C on transcript NM_000179.3 (MANE Select); coding-DNA position 527, T replaced by C.
Protein change: p.Met176Thr; replaces methionine 176 with threonine.
Molecular consequence: missense variant. On other transcripts: 5 prime UTR variant (1), intron variant (2).
Genome position (GRCh38, 1-based): chr2:47,795,963, T>C. VCF-style: chr2-47795963-T-C. GRCh37 (hg19) VCF-style: chr2-48023102-T-C.
Other names: c.-376T>C (NM_001281494.2); c.-279-2648T>C (NM_001281493.2); c.238-2648T>C (NM_001281492.2); short protein forms M176T.
Identifiers: ClinVar variation 439216 (VCV000439216.18), dbSNP rs1553411432, ClinGen allele CA346738696.
Genomic context (GRCh38, chr2:47,795,963, plus strand): 5'-CAAAGGAAGCCCAGAAGGGAGGTCATTTTTACAGTGCAAAGCCTGAAATACTGAGAGCAA[T>C]GCAACGTGCAGATGAAGCCTTAAATAAAGACAAGATTAAGAGGCTTGAATTGGCAGTTTG-3'
Protein context (NP_000170.1, residues 166-186): YSAKPEILRA[Met176Thr]QRADEALNKD